The following is an entry in ClinVar:

NM_182961.4(SYNE1):c.17098G>A (p.Glu5700Lys)

Genes: SYNE1 (spectrin repeat containing nuclear envelope protein 1; minus strand), LOC126859837 (BRD4-independent group 4 enhancer GRCh37_chr6:152630775-152631974; plus strand). Cytogenetic location: 6q25.2.
Variant type: single nucleotide variant.
Coding change: c.17098G>A on transcript NM_182961.4 (MANE Select); coding-DNA position 17098, G replaced by A.
Protein change: p.Glu5700Lys; replaces glutamic acid 5700 with lysine.
Molecular consequence: missense variant.
Genome position (GRCh38, 1-based): chr6:152,309,939, C>T on the plus strand (G>A on the coding strand, the complement: SYNE1 is on the minus strand). VCF-style: chr6-152309939-C-T. GRCh37 (hg19) VCF-style: chr6-152631074-C-T.
Other names: c.16885G>A, p.Glu5629Lys (NM_033071.5); c.16885G>A (NM_033071.3); short protein forms E5629K, E5700K.
Identifiers: ClinVar variation 1398473 (VCV001398473.8), dbSNP rs1227780117, ClinGen allele CA366107020.
Genomic context (GRCh38, chr6:152,309,939, plus strand): 5'-TGGCCTCTTCCTGCAGCCGCAGAGCAGCATGACAGAGAGGTAAGCTGGCAACCACATCCT[C>T]GGGGATCCGGAGGGCACTCTGGCAGAGCTGCACTGCTTGCACCTTCGGCTTCAGTGACTC-3'
Protein context (NP_892006.3, residues 5690-5710): QLCQSALRIP[Glu5700Lys]DVVASLPLCH

ClinVar aggregate classification (germline): Uncertain significance. Review status: criteria provided, multiple submitters, no conflicts (2 of 4 stars). 3 submissions from 3 submitters: Uncertain significance (3). Last evaluated 2025-05-09.

Conditions:
Emery-Dreifuss muscular dystrophy 4, autosomal dominant (EDMD4). Also called: EMERY-DREIFUSS MUSCULAR DYSTROPHY 4 WITH VARIABLE FEATURES. Identifiers: Orphanet 261, MedGen C2751807, MONDO:0013071, OMIM 612998.
Autosomal recessive ataxia, Beauce type. Also called: Spinocerebellar ataxia, autosomal recessive 8; ATAXIA, RECESSIVE, OF BEAUCE; SYNE1 Deficiency; SYNE1-Related Autosomal Recessive Cerebellar Ataxia. Identifiers: Orphanet 88644, MedGen C1853116, MONDO:0012549, OMIM 610743.

Allele frequency attached by ClinVar (database versions not stated): gnomAD exomes below 0.00001; gnomAD 0.00001; TOPMed 0.00001.
gnomAD v4.1: 8 of 1,614,004 alleles (0.0005%); highest among the groups gnomAD compares: Admixed American, 0.0017%; no homozygotes.

Submissions (3):

GeneDx
Classification: Uncertain significance. Last evaluated: 2025-05-09. Review status: criteria provided, single submitter. Criteria: GeneDx Variant Classification Process June 2021. Collection method: clinical testing. Allele origin: germline. Affected: yes.
Comment: Not observed at significant frequency in large population cohorts (gnomAD); In silico analysis suggests that this missense variant does not alter protein structure/function; This variant is associated with the following publications: (PMID: 36964972)

Labcorp Genetics (formerly Invitae), Labcorp
Classification: Uncertain significance for Emery-Dreifuss muscular dystrophy 4, autosomal dominant; Autosomal recessive ataxia, Beauce type. Last evaluated: 2023-08-30. Review status: criteria provided, single submitter. Criteria: Invitae Variant Classification Sherloc (09022015). Collection method: clinical testing. Allele origin: germline.
Comment: In summary, the available evidence is currently insufficient to determine the role of this variant in disease. Therefore, it has been classified as a Variant of Uncertain Significance. An algorithm developed to predict the effect of missense changes on protein structure and function (PolyPhen-2) suggests that this variant is likely to be disruptive. ClinVar contains an entry for this variant (Variation ID: 1398473). This variant has not been reported in the literature in individuals affected with SYNE1-related conditions. This variant is present in population databases (no rsID available, gnomAD 0.004%). This sequence change replaces glutamic acid, which is acidic and polar, with lysine, which is basic and polar, at codon 5629 of the SYNE1 protein (p.Glu5629Lys).

Blueprint Genetics
Classification: Uncertain significance. Last evaluated: 2022-11-25. Review status: criteria provided, single submitter. Criteria: ACMG Guidelines, 2015. Collection method: clinical testing. Allele origin: germline.